The following is an entry in ClinVar:

ClinVar aggregate classification (germline): Pathogenic (1 of 4 stars; one submission).

Conditions:
Familial adenomatous polyposis 4 (FAP4). Also called: MSH3-related attenuated familial adenomatous polyposis. Identifiers: Orphanet 480536, MedGen C4310719, MONDO:0044300, OMIM 617100.

Submission:

Myriad Genetics, Inc.
Classification: Pathogenic for Familial adenomatous polyposis 4. Last evaluated: 2023-08-30. Review status: criteria provided, single submitter. Criteria: Myriad Autosomal Dominant, Autosomal Recessive and X-Linked Classification Criteria (2023). Collection method: clinical testing. Allele origin: unknown.
Comment: This variant is considered pathogenic. This variant creates a frameshift predicted to result in premature protein truncation.

NM_002439.5(MSH3):c.1473dup (p.Ile492fs)

Gene: MSH3 (mutS homolog 3; plus strand). Cytogenetic location: 5q14.1.
Variant type: Duplication.
Coding change: c.1473dup on transcript NM_002439.5 (MANE Select); coding-DNA position 1473, one base duplicated (C; older notation c.1473dupC).
Protein change: p.Ile492fs; shifts the reading frame from isoleucine 492.
Molecular consequence: frameshift variant.
Genome position (GRCh38, 1-based): chr5:80,728,870, C duplicated. VCF-style (leftmost placement, unchanged base first): chr5-80728869-G-GC. GRCh37 (hg19) VCF-style: chr5-80024688-G-GC.
Other names: short protein forms I492fs.
Identifiers: ClinVar variation 2673540 (VCV002673540.1), dbSNP rs2546754598, ClinGen allele CA2695198662.